The following is an entry in ClinVar:

NM_024580.6(EFL1):c.3164G>A (p.Ser1055Asn)

Gene: EFL1 (elongation factor like GTPase 1; minus strand). Cytogenetic location: 15q25.2.
Variant type: single nucleotide variant.
Coding change: c.3164G>A on transcript NM_024580.6 (MANE Select); coding-DNA position 3164, G replaced by A.
Protein change: p.Ser1055Asn; replaces serine 1055 with asparagine.
Molecular consequence: missense variant. On other transcripts: non-coding transcript variant (1).
Genome position (GRCh38, 1-based): chr15:82,138,668, C>T on the plus strand (G>A on the coding strand, the complement: EFL1 is on the minus strand). VCF-style: chr15-82138668-C-T. GRCh37 (hg19) VCF-style: chr15-82431009-C-T.
Other names: c.3011G>A, p.Ser1004Asn (NM_001040610.3); c.2375G>A, p.Ser792Asn (NM_001322844.2); c.3164G>A, p.Ser1055Asn (NM_001322845.2); short protein forms S792N, S1055N, S1004N.
Identifiers: ClinVar variation 1469930 (VCV001469930.6), dbSNP rs200449747, ClinGen allele CA7697624.
Genomic context (GRCh38, chr15:82,138,668, plus strand): 5'-ATGTATCCATAGATGAGAAGGAAGGAATGAATGGGAACTTGGATTTTTACCTCCCAATGG[C>T]TGAATACTAGTTGTGGGCTGGCCAGGCCACTTGTCCTCTTCCTGATTTCATCAGCAAAAC-3'
Protein context (NP_078856.4, residues 1045-1065): SGLASPQLVF[Ser1055Asn]HWEIIPSDPF

ClinVar aggregate classification (germline): Uncertain significance (1 of 4 stars; one submission).

Allele frequency attached by ClinVar (database versions not stated): gnomAD 0.00002 and 0.00003; TOPMed 0.00002; gnomAD exomes 0.00008 and 0.00019; ExAC 0.00035.
gnomAD v4.1: 124 of 1,613,384 alleles (0.0077%); highest among the groups gnomAD compares: Non-Finnish European, 0.0062%; no homozygotes.

Submission:

Labcorp Genetics (formerly Invitae), Labcorp
Classification: Uncertain significance. Last evaluated: 2022-08-19. Review status: criteria provided, single submitter. Criteria: Invitae Variant Classification Sherloc (09022015). Collection method: clinical testing. Allele origin: germline.
Comment: In summary, the available evidence is currently insufficient to determine the role of this variant in disease. Therefore, it has been classified as a Variant of Uncertain Significance. Algorithms developed to predict the effect of missense changes on protein structure and function (SIFT, PolyPhen-2, Align-GVGD) all suggest that this variant is likely to be disruptive. ClinVar contains an entry for this variant (Variation ID: 1469930). This variant has not been reported in the literature in individuals affected with EFL1-related conditions. This variant is present in population databases (rs200449747, gnomAD 0.05%). This sequence change replaces serine, which is neutral and polar, with asparagine, which is neutral and polar, at codon 1055 of the EFL1 protein (p.Ser1055Asn).